The following is an entry in ClinVar:

ClinVar aggregate classification (germline): Uncertain significance (1 of 4 stars; one submission).

Allele frequency attached by ClinVar (database versions not stated): TOPMed below 0.00001.
gnomAD v4.1: 3 of 1,614,200 alleles (0.00019%); highest among the groups gnomAD compares: Non-Finnish European, 0.00025%; no homozygotes.

Submission:

GeneDx
Classification: Uncertain significance. Last evaluated: 2022-10-18. Review status: criteria provided, single submitter. Criteria: GeneDx Variant Classification Process June 2021. Collection method: clinical testing. Allele origin: germline. Affected: yes.
Comment: Not observed at significant frequency in large population cohorts (gnomAD); In silico analysis supports that this missense variant has a deleterious effect on protein structure/function; Has not been previously published as pathogenic or benign to our knowledge

NM_001378183.1(PIEZO2):c.6904G>C (p.Val2302Leu)

Gene: PIEZO2 (piezo type mechanosensitive ion channel component 2; minus strand). Cytogenetic location: 18p11.22.
Variant type: single nucleotide variant.
Coding change: c.6904G>C on transcript NM_001378183.1 (MANE Select); coding-DNA position 6904, G replaced by C.
Protein change: p.Val2302Leu; replaces valine 2302 with leucine.
Molecular consequence: missense variant.
Genome position (GRCh38, 1-based): chr18:10,696,463, C>G on the plus strand (G>C on the coding strand, the complement: PIEZO2 is on the minus strand). VCF-style: chr18-10696463-C-G. GRCh37 (hg19) VCF-style: chr18-10696461-C-G.
Other names: c.6640G>C, p.Val2214Leu (NM_001410871.1); c.6565G>C, p.Val2189Leu (NM_022068.4); short protein forms V2189L, V2214L, V2302L.
Identifiers: ClinVar variation 1708694 (VCV001708694.3), dbSNP rs777643703, ClinGen allele CA401919003.